The following is an entry in ClinVar:

ClinVar aggregate classification (germline): Uncertain significance (1 of 4 stars; one submission).

gnomAD v4.1: 1 of 1,579,560 alleles (0.000063%); highest among the groups gnomAD compares: Non-Finnish European, 0.000086%; no homozygotes.

Submission:

Labcorp Genetics (formerly Invitae), Labcorp
Classification: Uncertain significance. Last evaluated: 2022-10-17. Review status: criteria provided, single submitter. Criteria: Invitae Variant Classification Sherloc (09022015). Collection method: clinical testing. Allele origin: germline.
Comment: In summary, the available evidence is currently insufficient to determine the role of this variant in disease. Therefore, it has been classified as a Variant of Uncertain Significance. Variants that disrupt the consensus splice site are a relatively common cause of aberrant splicing (PMID: 17576681, 9536098). Algorithms developed to predict the effect of sequence changes on RNA splicing suggest that this variant may disrupt the consensus splice site. This variant has not been reported in the literature in individuals affected with COL18A1-related conditions. This variant is not present in population databases (gnomAD no frequency). This sequence change falls in intron 19 of the COL18A1 gene. It does not directly change the encoded amino acid sequence of the COL18A1 protein. It affects a nucleotide within the consensus splice site.

Literature cited by the submitters: PubMed 17576681; PubMed 9536098.

NM_001379500.1(COL18A1):c.1960-3C>G

Gene: COL18A1 (collagen type XVIII alpha 1 chain; plus strand). Cytogenetic location: 21q22.3.
Variant type: single nucleotide variant.
Coding change: c.1960-3C>G on transcript NM_001379500.1 (MANE Select); 3 bases into the intron before coding-DNA position 1960, C replaced by G.
Molecular consequence: intron variant.
Genome position (GRCh38, 1-based): chr21:45,490,272, C>G. VCF-style: chr21-45490272-C-G. GRCh37 (hg19) VCF-style: chr21-46910186-C-G.
Other names: c.3205-3C>G (NM_130444.3); c.2500-3C>G (NM_030582.4).
Identifiers: ClinVar variation 2024920 (VCV002024920.4), dbSNP rs763446887, ClinGen allele CA2580098855.
Genomic context (GRCh38, chr21:45,490,272, plus strand): 5'-TGGGGGTCCCTGCATTCCTGGGCGTGTGGCCAATGCCCTGCGTCCTCCATGTGACCCTTT[C>G]AGGGAGAAGTTGGAGCAGATGGAGTCCCCGGGTTCCCCGGCCTCCCTGGCAGAGAGGGCA-3'